The following is an entry in ClinVar:

ClinVar aggregate classification (germline): Uncertain significance. Review status: criteria provided, multiple submitters, no conflicts (2 of 4 stars). 2 submissions from 2 submitters: Uncertain significance (2). Last evaluated 2025-11-21.

Conditions:
Hereditary cancer-predisposing syndrome. Also called: Hereditary Cancer Syndrome; Hereditary neoplastic syndrome; Neoplastic Syndromes, Hereditary; Tumor predisposition. Identifiers: Orphanet 140162, MedGen C0027672, MeSH D009386, MONDO:0015356.
Rhabdoid tumor predisposition syndrome 2 (RTPS2). Identifiers: Orphanet 231108, Orphanet 69077, MedGen C2750074, MONDO:0013224, OMIM 613325.

Allele frequency attached by ClinVar (database versions not stated): gnomAD exomes below 0.00001.
gnomAD v4.1: 1 of 1,608,644 alleles (0.000062%); highest among the groups gnomAD compares: Non-Finnish European, 0.000085%; no homozygotes.

Submissions (2):

Ambry Genetics
Classification: Uncertain significance for Hereditary cancer-predisposing syndrome. Last evaluated: 2025-11-21. Review status: criteria provided, single submitter. Criteria: Ambry Variant Classification Scheme 2023. Collection method: clinical testing. Allele origin: germline.
Comment: The c.1593+4T>C intronic variant results from a T to C substitution 4 nucleotides after coding exon 8 in the SMARCA4 gene. This nucleotide position is poorly conserved in available vertebrate species. In silico splice site analysis predicts that this alteration will not have any significant effect on splicing. Based on the available evidence, the clinical significance of this variant remains unclear.

Labcorp Genetics (formerly Invitae), Labcorp
Classification: Uncertain significance for Rhabdoid tumor predisposition syndrome 2. Last evaluated: 2024-11-05. Review status: criteria provided, single submitter. Criteria: Invitae Variant Classification Sherloc (09022015). Collection method: clinical testing. Allele origin: germline.
Comment: This sequence change falls in intron 9 of the SMARCA4 gene. It does not directly change the encoded amino acid sequence of the SMARCA4 protein. It affects a nucleotide within the consensus splice site. This variant is not present in population databases (gnomAD no frequency). This variant has not been reported in the literature in individuals affected with SMARCA4-related conditions. ClinVar contains an entry for this variant (Variation ID: 408626). Variants that disrupt the consensus splice site are a relatively common cause of aberrant splicing (PMID: 17576681, 9536098). Algorithms developed to predict the effect of sequence changes on RNA splicing suggest that this variant is not likely to affect RNA splicing. In summary, the available evidence is currently insufficient to determine the role of this variant in disease. Therefore, it has been classified as a Variant of Uncertain Significance.

Literature cited by the submitters: PubMed 17576681 (cited by Labcorp Genetics (formerly Invitae), Labcorp); PubMed 9536098 (cited by Labcorp Genetics (formerly Invitae), Labcorp).

NM_003072.5(SMARCA4):c.1593+4T>C

Gene: SMARCA4 (SWI/SNF related BAF chromatin remodeling complex subunit ATPase 4; plus strand). Cytogenetic location: 19p13.2.
Variant type: single nucleotide variant.
Coding change: c.1593+4T>C on transcript NM_003072.5 (MANE Select); 4 bases into the intron after coding-DNA position 1593, T replaced by C.
Molecular consequence: intron variant.
Genome position (GRCh38, 1-based): chr19:10,995,005, T>C. VCF-style: chr19-10995005-T-C. GRCh37 (hg19) VCF-style: chr19-11105681-T-C.
Other names: c.1593+4T>C (NM_001128844.3, NM_001128849.3, NM_001128847.4 and 5 more transcripts).
Identifiers: ClinVar variation 408626 (VCV000408626.10), dbSNP rs1060502072, ClinGen allele CA16615902.